The following is an entry in ClinVar:

ClinVar aggregate classification (germline): Likely benign (1 of 4 stars; one submission).

Conditions:
Leigh syndrome (NULS). Also called: Leigh's necrotizing encephalopathy; Leigh's disease; Leigh Syndrome (mtDNA deletion); Leigh Disease; Subacute necrotizing encephalopathy; Necrotizing encephalopathy infantile subacute of Leigh. Identifiers: Orphanet 506, MedGen C2931891, MONDO:0009723, OMIM 256000.

Submission:

Wong Mito Lab, Molecular and Human Genetics, Baylor College of Medicine
Classification: Likely benign for Leigh syndrome. Last evaluated: 2019-10-17. Review status: criteria provided, single submitter. Criteria: Modified ACMG Guidelines (Unpublished). Collection method: clinical testing. Allele origin: germline.
Comment: The NC_012920.1:m.5452C>T (YP_003024027.1:p.Thr328Met) variant in MTND2 gene is interpretated to be a Likely Benign variant based on the modified ACMG guidelines (unpublished). This variant meets the following evidence codes: BS1, BP4

Literature cited by the submitters: PubMed 15286228.

NC_012920.1(MT-ND2):m.5452C>T

Gene: MT-ND2 (mitochondrially encoded NADH dehydrogenase 2; plus strand).
Variant type: single nucleotide variant.
Genome position: chrM-5452-C-T.
Identifiers: ClinVar variation 692590 (VCV000692590.1), dbSNP rs1556422991, ClinGen allele CA414780410.